The following is an entry in ClinVar:

NM_004260.4(RECQL4):c.3503-3T>G

Gene: RECQL4 (RecQ like helicase 4; minus strand). Cytogenetic location: 8q24.3.
Variant type: single nucleotide variant.
Coding change: c.3503-3T>G on transcript NM_004260.4 (MANE Select); 3 bases into the intron before coding-DNA position 3503, T replaced by G.
Molecular consequence: intron variant.
Genome position (GRCh38, 1-based): chr8:144,511,558, A>C on the plus strand (T>G on the coding strand, the complement: RECQL4 is on the minus strand). VCF-style: chr8-144511558-A-C. GRCh37 (hg19) VCF-style: chr8-145736941-A-C.
Other names: c.3374-3T>G (NM_001413025.1); c.3152-3T>G (NM_001413029.1); c.2366-3T>G (NM_001413032.1, NM_001413027.1, NM_001413030.1); c.2432-3T>G (NM_001413035.1, NM_001413040.1, NM_001413021.1 and 4 more transcripts); c.3209-3T>G (NM_001413017.1); c.3407-3T>G (NM_001413020.1); c.3473-3T>G (NM_001413039.1); c.3371-3T>G (NM_001413033.1); and 9 more.
Identifiers: ClinVar variation 2832467 (VCV002832467.3), dbSNP rs1174432737, ClinGen allele CA586165131.

ClinVar aggregate classification (germline): Uncertain significance (1 of 4 stars; one submission).

Conditions:
Baller-Gerold syndrome (BGS). Also called: CRANIOSYNOSTOSIS WITH RADIAL DEFECTS. Identifiers: Orphanet 1225, MedGen C0265308, MONDO:0009039, OMIM 218600.

Allele frequency attached by ClinVar (database versions not stated): TOPMed below 0.00001.
gnomAD v4.1: 1 of 1,611,854 alleles (0.000062%); no homozygotes.

Submission:

Labcorp Genetics (formerly Invitae), Labcorp
Classification: Uncertain significance for Baller-Gerold syndrome. Last evaluated: 2025-09-23. Review status: criteria provided, single submitter. Criteria: Invitae Variant Classification Sherloc (09022015). Collection method: clinical testing. Allele origin: germline.
Comment: This sequence change falls in intron 20 of the RECQL4 gene. It does not directly change the encoded amino acid sequence of the RECQL4 protein. It affects a nucleotide within the consensus splice site. This variant is present in population databases (no rsID available, gnomAD 0.007%). This variant has not been reported in the literature in individuals affected with RECQL4-related conditions. ClinVar contains an entry for this variant (Variation ID: 2832467). Variants that disrupt the consensus splice site are a relatively common cause of aberrant splicing (PMID: 17576681, 9536098). Algorithms developed to predict the effect of sequence changes on RNA splicing suggest that this variant may disrupt the consensus splice site. In summary, the available evidence is currently insufficient to determine the role of this variant in disease. Therefore, it has been classified as a Variant of Uncertain Significance.

Literature cited by the submitters: PubMed 17576681; PubMed 9536098.